The following is an entry in ClinVar:

ClinVar aggregate classification (germline): Conflicting classifications of pathogenicity. Review status: criteria provided, conflicting classifications (1 of 4 stars). 4 submissions from 4 submitters: Likely pathogenic (3); Uncertain significance (1). Last evaluated 2026-01-29.

Conditions:
Deafness with labyrinthine aplasia, microtia, and microdontia. Also called: Congenital Deafness with Inner Ear Agenesis, Microtia, and Microdontia; DEAFNESS WITH LAMM; DEAFNESS, CONGENITAL, WITH LABYRINTHINE APLASIA, MICROTIA, AND MICRODONTIA. Identifiers: Orphanet 90024, MedGen C1853144, MONDO:0012541, OMIM 610706.

Allele frequency attached by ClinVar (database versions not stated): ExAC 0.00009; gnomAD exomes 0.00002.
gnomAD v4.1: 4 of 1,497,538 alleles (0.00027%); highest among the groups gnomAD compares: South Asian, 0.005%; no homozygotes.

Submissions (4):

GeneDx
Classification: Likely pathogenic. Last evaluated: 2026-01-29. Review status: criteria provided, single submitter. Criteria: GeneDx Variant Classification Process June 2021. Collection method: clinical testing. Allele origin: germline.
Comment: In silico analysis supports that this missense variant has a deleterious effect on protein structure/function; This variant is associated with the following publications: (PMID: 33187236)

Labcorp Genetics (formerly Invitae), Labcorp
Classification: Uncertain significance. Last evaluated: 2025-07-27. Review status: criteria provided, single submitter. Criteria: Invitae Variant Classification Sherloc (09022015). Collection method: clinical testing. Allele origin: germline.
Comment: This sequence change replaces leucine, which is neutral and non-polar, with phenylalanine, which is neutral and non-polar, at codon 56 of the FGF3 protein (p.Leu56Phe). This variant is present in population databases (rs782324453, gnomAD 0.01%). This missense change has been observed in individuals with clinical features of FGF3-related conditions (PMID: 33187236; internal data). ClinVar contains an entry for this variant (Variation ID: 996770). An algorithm developed to predict the effect of missense changes on protein structure and function (PolyPhen-2) suggests that this variant is likely to be disruptive. In summary, the available evidence is currently insufficient to determine the role of this variant in disease. Therefore, it has been classified as a Variant of Uncertain Significance.

3billion
Classification: Likely pathogenic for Deafness with labyrinthine aplasia, microtia, and microdontia. Last evaluated: 2022-03-22. Review status: criteria provided, single submitter. Criteria: ACMG Guidelines, 2015. Collection method: clinical testing. Allele origin: germline. Affected: yes. Observed: 1 homozygote.
Comment: The variant has been observed in at least two similarly affected unrelated individuals (PMID: 33187236). It has been reported to be in trans with a pathogenic variant as either compound heterozygous or homozygous in at least one similarly affected unrelated individual (PMID: 33187236) and co-segregated with Deafness, congenital with inner ear agenesis, microtia, and microdontia in multiple affected family members (PMID: 33187236). In silico tool predictions suggest damaging effect of the variant on gene or gene product (REVEL: 0.788>=0.6). It is observed at an extremely low frequency in the gnomAD v2.1.1 dataset (total allele frequency: 0.0000197). Therefore, this variant is classified as likely pathogenic according to the recommendation of ACMG/AMP guideline.

Institute of Medical Genetics and Applied Genomics, University Hospital Tübingen
Classification: Likely pathogenic. Last evaluated: 2021-02-01. Review status: criteria provided, single submitter. Criteria: ACMG Guidelines, 2015. Collection method: clinical testing. Allele origin: germline. Inheritance: Autosomal recessive inheritance. Affected: yes.

Literature cited by the submitters: PubMed 33187236 (cited by Labcorp Genetics (formerly Invitae), Labcorp and 3billion).

NM_005247.4(FGF3):c.166C>T (p.Leu56Phe)

Genes: FGF3 (fibroblast growth factor 3; minus strand), LOC109115964 (FGF3 5' regulatory region; plus strand). Cytogenetic location: 11q13.3.
Variant type: single nucleotide variant.
Coding change: c.166C>T on transcript NM_005247.4 (MANE Select); coding-DNA position 166, C replaced by T.
Protein change: p.Leu56Phe; replaces leucine 56 with phenylalanine.
Molecular consequence: missense variant.
Genome position (GRCh38, 1-based): chr11:69,818,768, G>A on the plus strand (C>T on the coding strand, the complement: FGF3 is on the minus strand). VCF-style: chr11-69818768-G-A. GRCh37 (hg19) VCF-style: chr11-69633536-G-A.
Other names: c.166C>T (NM_005247.2); short protein forms L56F.
Identifiers: ClinVar variation 996770 (VCV000996770.7), dbSNP rs782324453, ClinGen allele CA6157180.